The following is an entry in ClinVar:

NM_020338.4(ZMIZ1):c.1142A>C (p.His381Pro)

Gene: ZMIZ1 (zinc finger MIZ-type containing 1; plus strand). Cytogenetic location: 10q22.3.
Variant type: single nucleotide variant.
Coding change: c.1142A>C on transcript NM_020338.4 (MANE Select); coding-DNA position 1142, A replaced by C.
Protein change: p.His381Pro; replaces histidine 381 with proline.
Molecular consequence: missense variant.
Genome position (GRCh38, 1-based): chr10:79,293,565, A>C. VCF-style: chr10-79293565-A-C. GRCh37 (hg19) VCF-style: chr10-81053322-A-C.
Other names: short protein forms H381P.
Identifiers: ClinVar variation 3235797 (VCV003235797.1), dbSNP rs2492050463, ClinGen allele CA377334871.

ClinVar aggregate classification (germline): Uncertain significance (1 of 4 stars; one submission).

Submission:

Greenwood Genetic Center Diagnostic Laboratories, Greenwood Genetic Center
Classification: Uncertain significance. Last evaluated: 2024-03-15. Review status: criteria provided, single submitter. Criteria: ACMG Guidelines, 2015. Collection method: clinical testing. Allele origin: germline. Affected: yes.
Comment: PM2, PP2